The following is an entry in ClinVar:

ClinVar aggregate classification (germline): Conflicting classifications of pathogenicity. Review status: criteria provided, conflicting classifications (1 of 4 stars). 2 submissions from 2 submitters: Uncertain significance (1); Likely benign (1). Last evaluated 2023-07-25.

Allele frequency attached by ClinVar (database versions not stated): gnomAD 0.00001.
gnomAD v4.1: 2 of 1,206,843 alleles (0.00017%); highest among the groups gnomAD compares: South Asian, 0.0018%; no homozygotes.

Submissions (2):

Labcorp Genetics (formerly Invitae), Labcorp
Classification: Uncertain significance. Last evaluated: 2023-07-25. Review status: criteria provided, single submitter. Criteria: Invitae Variant Classification Sherloc (09022015). Collection method: clinical testing. Allele origin: germline.
Comment: In summary, the available evidence is currently insufficient to determine the role of this variant in disease. Therefore, it has been classified as a Variant of Uncertain Significance. Variants that disrupt the consensus splice site are a relatively common cause of aberrant splicing (PMID: 17576681, 9536098). Algorithms developed to predict the effect of sequence changes on RNA splicing suggest that this variant is not likely to affect RNA splicing. ClinVar contains an entry for this variant (Variation ID: 1196334). This variant has not been reported in the literature in individuals affected with OPHN1-related conditions. This variant is not present in population databases (gnomAD no frequency). This sequence change falls in intron 19 of the OPHN1 gene. It does not directly change the encoded amino acid sequence of the OPHN1 protein. It affects a nucleotide within the consensus splice site.

GeneDx
Classification: Likely benign. Last evaluated: 2020-03-18. Review status: criteria provided, single submitter. Criteria: GeneDx Variant Classification Process June 2021. Collection method: clinical testing. Allele origin: germline. Affected: yes.

Literature cited by the submitters: PubMed 17576681 (cited by Labcorp Genetics (formerly Invitae), Labcorp); PubMed 9536098 (cited by Labcorp Genetics (formerly Invitae), Labcorp).

NM_002547.3(OPHN1):c.1686+6C>T

Gene: OPHN1 (oligophrenin 1; minus strand). Cytogenetic location: Xq12.
Variant type: single nucleotide variant.
Coding change: c.1686+6C>T on transcript NM_002547.3 (MANE Select); 6 bases into the intron after coding-DNA position 1686, C replaced by T.
Molecular consequence: intron variant.
Genome position (GRCh38, 1-based): chrX:68,096,864, G>A on the plus strand (C>T on the coding strand, the complement: OPHN1 is on the minus strand). VCF-style: chrX-68096864-G-A. GRCh37 (hg19) VCF-style: chrX-67316706-G-A.
Identifiers: ClinVar variation 1196334 (VCV001196334.5), dbSNP rs967522314, ClinGen allele CA1133916348.